The following is an entry in ClinVar:

NM_006904.7(PRKDC):c.2758A>G (p.Thr920Ala)

Gene: PRKDC (protein kinase, DNA-activated, catalytic subunit; minus strand). Cytogenetic location: 8q11.21.
Variant type: single nucleotide variant.
Coding change: c.2758A>G on transcript NM_006904.7 (MANE Select); coding-DNA position 2758, A replaced by G.
Protein change: p.Thr920Ala; replaces threonine 920 with alanine.
Molecular consequence: missense variant.
Genome position (GRCh38, 1-based): chr8:47,913,924, T>C on the plus strand (A>G on the coding strand, the complement: PRKDC is on the minus strand). VCF-style: chr8-47913924-T-C. GRCh37 (hg19) VCF-style: chr8-48826484-T-C.
Other names: c.2758A>G, p.Thr920Ala (NM_001081640.2); short protein forms T920A.
Identifiers: ClinVar variation 1795628 (VCV001795628.2), dbSNP rs1589788258, ClinGen allele CA371159086.

ClinVar aggregate classification (germline): Uncertain significance (1 of 4 stars; one submission).

Allele frequency attached by ClinVar (database versions not stated): gnomAD exomes below 0.00001.
gnomAD v4.1: 3 of 1,609,092 alleles (0.00019%); highest among the groups gnomAD compares: Non-Finnish European, 0.00025%; no homozygotes.

Submission:

Ambry Genetics
Classification: Uncertain significance. Last evaluated: 2021-11-03. Review status: criteria provided, single submitter. Criteria: Ambry Variant Classification Scheme 2023. Collection method: clinical testing. Allele origin: germline.
Comment: The p.T920A variant (also known as c.2758A>G), located in coding exon 24 of the PRKDC gene, results from an A to G substitution at nucleotide position 2758. The threonine at codon 920 is replaced by alanine, an amino acid with similar properties. This amino acid position is conserved. In addition, this alteration is predicted to be tolerated by in silico analysis. Since supporting evidence is limited at this time, the clinical significance of this alteration remains unclear.